The following is an entry in ClinVar:

ClinVar aggregate classification (germline): Benign. Review status: criteria provided, multiple submitters, no conflicts (2 of 4 stars). 2 submissions from 2 submitters: Benign (2). Last evaluated 2018-01-13.

Conditions:
Vesicoureteral reflux 2 (VUR2). Identifiers: Orphanet 289365, MedGen C1970483, MONDO:0012573, OMIM 610878.

Allele frequency attached by ClinVar (database versions not stated): gnomAD exomes 0.00001 and 0.00003; gnomAD 0.00003; ExAC 0.00004; TOPMed 0.00005; 1000 Genomes Project 30x 0.00016; 1000 Genomes Project 0.00020.
gnomAD v4.1: 15 of 1,500,312 alleles (0.001%); highest among the groups gnomAD compares: Middle Eastern, 0.041%; no homozygotes.

Submissions (2):

Illumina Laboratory Services, Illumina
Classification: Benign for Vesicoureteral reflux 2. Last evaluated: 2018-01-13. Review status: criteria provided, single submitter. Criteria: ICSL Variant Classification Criteria 13 December 2019. Collection method: clinical testing. Allele origin: germline.
Comment: This variant was observed in the ICSL laboratory as part of a predisposition screen in an ostensibly healthy population. It had not been previously curated by ICSL or reported in the Human Gene Mutation Database (HGMD: prior to June 1st, 2018), and was therefore a candidate for classification through an automated scoring system. Utilizing variant allele frequency, disease prevalence and penetrance estimates, and inheritance mode, an automated score was calculated to assess if this variant is too frequent to cause the disease. Based on the score and internal cut-off values, a variant classified as benign is not then subjected to further curation. The score for this variant resulted in a classification of benign for this disease.

Breakthrough Genomics
Classification: Benign. Review status: criteria provided, single submitter. Criteria: ACMG Guidelines, 2015. Collection method: not provided. Allele origin: germline. Inheritance: Autosomal dominant inheritance. Affected: yes.

NM_001395656.1(ROBO2):c.*48G>A

Gene: ROBO2 (roundabout guidance receptor 2; plus strand). Cytogenetic location: 3p12.3.
Variant type: single nucleotide variant.
Coding change: c.*48G>A on transcript NM_001395656.1 (MANE Select); 48 bases downstream of the stop codon, G replaced by A.
Molecular consequence: 3 prime UTR variant.
Genome position (GRCh38, 1-based): chr3:77,646,103, G>A. VCF-style: chr3-77646103-G-A. GRCh37 (hg19) VCF-style: chr3-77695254-G-A.
Other names: c.*48G>A (NM_001128929.3, NM_001290039.2, NM_001290040.2 and 14 more transcripts); c.*45G>A (NM_001378194.1, NM_001378196.1, NM_001378199.1 and 3 more transcripts).
Identifiers: ClinVar variation 900955 (VCV000900955.6), dbSNP rs550965025, ClinGen allele CA2497879.